The following is an entry in ClinVar:

NM_006031.6(PCNT):c.5512dup (p.Leu1838fs)

Gene: PCNT (pericentrin; plus strand). Cytogenetic location: 21q22.3.
Variant type: Duplication.
Coding change: c.5512dup on transcript NM_006031.6 (MANE Select); coding-DNA position 5512, one base duplicated (C; older notation c.5512dupC).
Protein change: p.Leu1838fs; shifts the reading frame from leucine 1838.
Molecular consequence: frameshift variant.
Genome position (GRCh38, 1-based): chr21:46,411,585, C duplicated. VCF-style (leftmost placement, unchanged base first): chr21-46411584-G-GC. GRCh37 (hg19) VCF-style: chr21-47831498-G-GC.
Other names: c.5158dup, p.Leu1720fs (NM_001315529.2); short protein forms L1720fs, L1838fs.
Identifiers: ClinVar variation 4730715 (VCV004730715.1).
Genomic context (GRCh38, chr21:46,411,584, plus strand): 5'-GGAGGCCCTGCAGCAGCGCCTCCAGGGCGCAGAGGAGGCTGCGGAGCTACAGCTGGCTGA[G>GC]CTGGAGCGCAATGTAGCCCTCAGGGAGGCTGAGGTCGAAGACATGGCCTCCCGGATCCAG-3'

ClinVar aggregate classification (germline): Pathogenic (1 of 4 stars; one submission).

Submission:

Labcorp Genetics (formerly Invitae), Labcorp
Classification: Pathogenic. Last evaluated: 2025-11-12. Review status: criteria provided, single submitter. Criteria: Invitae Variant Classification Sherloc (09022015). Collection method: clinical testing. Allele origin: germline.
Comment: This sequence change creates a premature translational stop signal (p.Leu1838Profs*11) in the PCNT gene. It is expected to result in an absent or disrupted protein product. Loss-of-function variants in PCNT are known to be pathogenic (PMID: 18174396, 22821869). This variant is not present in population databases (gnomAD no frequency). This variant has not been reported in the literature in individuals affected with PCNT-related conditions. For these reasons, this variant has been classified as Pathogenic.

Literature cited by the submitters: PubMed 18174396; PubMed 22821869.